The following is an entry in ClinVar:

NM_000297.4(PKD2):c.2014del (p.Leu672fs)

Gene: PKD2 (polycystin 2, transient receptor potential cation channel; plus strand). Cytogenetic location: 4q22.1.
Variant type: Deletion.
Coding change: c.2014del on transcript NM_000297.4 (MANE Select); coding-DNA position 2014, one base deleted (C; older notation c.2014delC).
Protein change: p.Leu672fs; shifts the reading frame from leucine 672.
Molecular consequence: frameshift variant.
Genome position (GRCh38, 1-based): chr4:88,058,098, C deleted. VCF-style (leftmost placement, unchanged base first): chr4-88058097-TC-T. GRCh37 (hg19) VCF-style: chr4-88979249-TC-T.
Other names: c.1789del, p.Leu597fs (NM_001440544.1); short protein forms L597fs, L672fs.
Identifiers: ClinVar variation 4294466 (VCV004294466.1).
Genomic context (GRCh38, chr4:88,058,097, plus strand): 5'-AGCTAATCGAGTTTTGGGACCAATTTATTTCACTACATTTGTGTTCTTTATGTTCTTCAT[TC>T]TTTTGGTATGTACATTTTTATTTATAGTGAGGTTCAATTTAAACTTCGTAAATCCTTGTC-3'

ClinVar aggregate classification (germline): Likely pathogenic (1 of 4 stars; one submission).

Conditions:
Polycystic kidney disease 2 (PKD2). Also called: POLYCYSTIC KIDNEY DISEASE, ADULT, TYPE II; POLYCYSTIC KIDNEY DISEASE 2 WITH OR WITHOUT POLYCYSTIC LIVER DISEASE; Polycystic Kidney Disease 2, Autosomal Dominant. Identifiers: MedGen C2751306, MONDO:0013131, OMIM 613095.

Submission:

Molecular Genetics Department, Kulakov National Medical Research Center for Obstetrics, Gynecology and Perinatology
Classification: Likely pathogenic for Polycystic kidney disease 2. Review status: criteria provided, single submitter. Criteria: ACMG Guidelines, 2015. Collection method: clinical testing. Allele origin: germline. Affected: yes. Observed: 1 variant allele.
Comment: A previously undescribed heterozygous nucleotide variant creates a frameshift p.Leu672PhefsTer2 in the PKD2 gene. Heterozygous variants leading to loss of full-length protein are reported in patients with polycystic kidney disease 2, 613095. The variant is not present in population database (gnomAD no frequency). In summary, the currently available evidence indicates that the variant is pathogenic, but additional data are needed to prove that conclusively. Therefore, this variant has been classified as likely pathogenic.